The following is an entry in ClinVar:

ClinVar aggregate classification (germline): Uncertain significance (1 of 4 stars; one submission).

Submission:

Labcorp Genetics (formerly Invitae), Labcorp
Classification: Uncertain significance. Last evaluated: 2022-01-27. Review status: criteria provided, single submitter. Criteria: Invitae Variant Classification Sherloc (09022015). Collection method: clinical testing. Allele origin: germline.
Comment: In summary, the available evidence is currently insufficient to determine the role of this variant in disease. Therefore, it has been classified as a Variant of Uncertain Significance. Algorithms developed to predict the effect of missense changes on protein structure and function (SIFT, PolyPhen-2, Align-GVGD) all suggest that this variant is likely to be tolerated. This variant has not been reported in the literature in individuals affected with USH2A-related conditions. This variant is not present in population databases (gnomAD no frequency). This sequence change replaces threonine, which is neutral and polar, with serine, which is neutral and polar, at codon 445 of the USH2A protein (p.Thr445Ser).

NM_206933.4(USH2A):c.1334C>G (p.Thr445Ser)

Gene: USH2A (usherin; minus strand). Cytogenetic location: 1q41.
Variant type: single nucleotide variant.
Coding change: c.1334C>G on transcript NM_206933.4 (MANE Select); coding-DNA position 1334, C replaced by G.
Protein change: p.Thr445Ser; replaces threonine 445 with serine.
Molecular consequence: missense variant.
Genome position (GRCh38, 1-based): chr1:216,323,690, G>C on the plus strand (C>G on the coding strand, the complement: USH2A is on the minus strand). VCF-style: chr1-216323690-G-C. GRCh37 (hg19) VCF-style: chr1-216497032-G-C.
Other names: c.1334C>G, p.Thr445Ser (NM_007123.6); short protein forms T445S.
Identifiers: ClinVar variation 2090465 (VCV002090465.4), dbSNP rs2527434569, ClinGen allele CA344910438.